The following is an entry in ClinVar:

ClinVar aggregate classification (germline): Uncertain significance (1 of 4 stars; one submission).

Conditions:
Dilated cardiomyopathy 1W (CMD1W). Identifiers: Orphanet 154, MedGen C1969639, MONDO:0012667, OMIM 611407.

Allele frequency attached by ClinVar (database versions not stated): gnomAD exomes below 0.00001.
gnomAD v4.1: 1 of 1,614,182 alleles (0.000062%); highest among the groups gnomAD compares: Non-Finnish European, 0.000085%; no homozygotes.

Submission:

Labcorp Genetics (formerly Invitae), Labcorp
Classification: Uncertain significance for Dilated cardiomyopathy 1W. Last evaluated: 2025-01-06. Review status: criteria provided, single submitter. Criteria: Invitae Variant Classification Sherloc (09022015). Collection method: clinical testing. Allele origin: germline.
Comment: This sequence change replaces serine, which is neutral and polar, with phenylalanine, which is neutral and non-polar, at codon 958 of the VCL protein (p.Ser958Phe). This variant is not present in population databases (gnomAD no frequency). This variant has not been reported in the literature in individuals affected with VCL-related conditions. ClinVar contains an entry for this variant (Variation ID: 2034328). An algorithm developed to predict the effect of missense changes on protein structure and function (PolyPhen-2) suggests that this variant is likely to be tolerated. In summary, the available evidence is currently insufficient to determine the role of this variant in disease. Therefore, it has been classified as a Variant of Uncertain Significance.

NM_014000.3(VCL):c.2873C>T (p.Ser958Phe)

Gene: VCL (vinculin; plus strand). Cytogenetic location: 10q22.2.
Variant type: single nucleotide variant.
Coding change: c.2873C>T on transcript NM_014000.3 (MANE Select); coding-DNA position 2873, C replaced by T.
Protein change: p.Ser958Phe; replaces serine 958 with phenylalanine.
Molecular consequence: missense variant. On other transcripts: intron variant (1).
Genome position (GRCh38, 1-based): chr10:74,112,036, C>T. VCF-style: chr10-74112036-C-T. GRCh37 (hg19) VCF-style: chr10-75871794-C-T.
Other names: c.2746-2148C>T (NM_003373.4); short protein forms S958F.
Identifiers: ClinVar variation 2034328 (VCV002034328.4), dbSNP rs2549235956, ClinGen allele CA377264782.